The following is an entry in ClinVar:

NM_000222.3(KIT):c.1255G>A (p.Asp419Asn)

Gene: KIT (KIT proto-oncogene, receptor tyrosine kinase; plus strand). Cytogenetic location: 4q12.
Variant type: single nucleotide variant.
Coding change: c.1255G>A on transcript NM_000222.3 (MANE Select); coding-DNA position 1255, G replaced by A.
Protein change: p.Asp419Asn; replaces aspartic acid 419 with asparagine.
Molecular consequence: missense variant.
Genome position (GRCh38, 1-based): chr4:54,723,607, G>A. VCF-style: chr4-54723607-G-A. GRCh37 (hg19) VCF-style: chr4-55589773-G-A.
Other names: c.1255G>A, p.Asp419Asn (NM_001093772.2, NM_001385285.1, NM_001385286.1); c.1258G>A, p.Asp420Asn (NM_001385284.1, NM_001385288.1, NM_001385290.1 and 1 more transcripts); short protein forms D419N, D420N.
Identifiers: ClinVar variation 458862 (VCV000458862.17), dbSNP rs752354428, ClinGen allele CA2923444.

ClinVar aggregate classification (germline): Uncertain significance. Review status: criteria provided, multiple submitters, no conflicts (2 of 4 stars). 3 submissions from 3 submitters: Uncertain significance (3). Last evaluated 2026-01-13.

Conditions:
Hereditary cancer-predisposing syndrome. Also called: Tumor predisposition; Hereditary neoplastic syndrome; Neoplastic Syndromes, Hereditary; Hereditary Cancer Syndrome. Identifiers: Orphanet 140162, MedGen C0027672, MeSH D009386, MONDO:0015356.
Gastrointestinal stromal tumor. Also called: Gastrointestinal stroma tumor; Gastrointestinal stromal tumor, somatic. Identifiers: Orphanet 44890, MedGen C0238198, MeSH D046152, MONDO:0011719, OMIM 606764, HP:0100723.

Allele frequency attached by ClinVar (database versions not stated): ExAC 0.00001; gnomAD exomes 0.00001; TOPMed 0.00001.
gnomAD v4.1: 7 of 1,613,902 alleles (0.00043%); highest among the groups gnomAD compares: South Asian, 0.0022%; no homozygotes.

Submissions (3):

Labcorp Genetics (formerly Invitae), Labcorp
Classification: Uncertain significance for Gastrointestinal stromal tumor. Last evaluated: 2026-01-13. Review status: criteria provided, single submitter. Criteria: Invitae Variant Classification Sherloc (09022015). Collection method: clinical testing. Allele origin: germline.
Comment: This sequence change replaces aspartic acid, which is acidic and polar, with asparagine, which is neutral and polar, at codon 419 of the KIT protein (p.Asp419Asn). This variant is present in population databases (rs752354428, gnomAD 0.003%). This variant has not been reported in the literature in individuals affected with KIT-related conditions. ClinVar contains an entry for this variant (Variation ID: 458862). An algorithm developed to predict the effect of missense changes on protein structure and function (PolyPhen-2) suggests that this variant is likely to be tolerated. In summary, the available evidence is currently insufficient to determine the role of this variant in disease. Therefore, it has been classified as a Variant of Uncertain Significance.

Ambry Genetics
Classification: Uncertain significance for Hereditary cancer-predisposing syndrome. Last evaluated: 2025-10-29. Review status: criteria provided, single submitter. Criteria: Ambry Variant Classification Scheme 2023. Collection method: clinical testing. Allele origin: germline.

GeneDx
Classification: Uncertain significance. Last evaluated: 2024-09-12. Review status: criteria provided, single submitter. Criteria: GeneDx Variant Classification Process June 2021. Collection method: clinical testing. Allele origin: germline. Affected: yes.
Comment: Not observed at significant frequency in large population cohorts (gnomAD); In silico analysis indicates that this missense variant does not alter protein structure/function; Has not been previously published as pathogenic or benign to our knowledge